The following is an entry in ClinVar:

ClinVar aggregate classification (germline): Likely benign (1 of 4 stars; one submission).

gnomAD v4.1: 1 of 1,614,216 alleles (0.000062%); highest among the groups gnomAD compares: African/African-American, 0.0013%; no homozygotes.

Submission:

GeneDx
Classification: Likely benign. Last evaluated: 2014-09-23. Review status: criteria provided, single submitter. Criteria: GeneDx Variant Classification (06012015). Collection method: clinical testing. Allele origin: germline. Affected: yes.
Comment: This variant is considered likely benign or benign based on one or more of the following criteria: it is a conservative change, it occurs at a poorly conserved position in the protein, it is predicted to be benign by multiple in silico algorithms, and/or has population frequency not consistent with disease.

NM_001130438.3(SPTAN1):c.3118G>A (p.Gly1040Ser)

Gene: SPTAN1 (spectrin alpha, non-erythrocytic 1; plus strand). Cytogenetic location: 9q34.11.
Variant type: single nucleotide variant.
Coding change: c.3118G>A on transcript NM_001130438.3 (MANE Select); coding-DNA position 3118, G replaced by A.
Protein change: p.Gly1040Ser; replaces glycine 1040 with serine.
Molecular consequence: missense variant.
Genome position (GRCh38, 1-based): chr9:128,591,588, G>A. VCF-style: chr9-128591588-G-A. GRCh37 (hg19) VCF-style: chr9-131353867-G-A.
Other names: p.G1040S:GGC>AGC; c.3118G>A, p.Gly1040Ser (NM_001195532.2, NM_001363759.2, NM_001363765.2 and 1 more transcripts); short protein forms G1040S.
Identifiers: ClinVar variation 207276 (VCV000207276.1), dbSNP rs796053302, ClinGen allele CA318592.